The following is an entry in ClinVar:

ClinVar aggregate classification (germline): Uncertain significance (1 of 4 stars; one submission).

Conditions:
Sulfite oxidase deficiency due to molybdenum cofactor deficiency type C. Also called: Molybdenum cofactor deficiency C; Molybdenum cofactor deficiency, complementation group C. Identifiers: Orphanet 308400, Orphanet 833, MedGen C1854990, MONDO:0014212, OMIM 615501.

Allele frequency attached by ClinVar (database versions not stated): gnomAD exomes below 0.00001.
gnomAD v4.1: 1 of 1,610,976 alleles (0.000062%); highest among the groups gnomAD compares: Middle Eastern, 0.017%; no homozygotes.

Submission:

Labcorp Genetics (formerly Invitae), Labcorp
Classification: Uncertain significance for Sulfite oxidase deficiency due to molybdenum cofactor deficiency type C. Last evaluated: 2019-06-07. Review status: criteria provided, single submitter. Criteria: Invitae Variant Classification Sherloc (09022015). Collection method: clinical testing. Allele origin: germline.
Comment: This variant is not present in population databases (ExAC no frequency) and has not been reported in the literature in individuals with a GPHN-related disease. In summary, this variant is a novel missense change with uncertain impact on protein function. It has been classified as a Variant of Uncertain Significance. Algorithms developed to predict the effect of missense changes on protein structure and function do not agree on the potential impact of this missense change (SIFT: "Deleterious"; PolyPhen-2: "Probably Damaging"; Align-GVGD: "Class C0"). This sequence change replaces glycine with valine at codon 649 of the GPHN protein (p.Gly649Val). The glycine residue is moderately conserved and there is a moderate physicochemical difference between glycine and valine.

NM_020806.5(GPHN):c.1946G>T (p.Gly649Val)

Gene: GPHN (gephyrin; plus strand). Cytogenetic location: 14q23.3.
Variant type: single nucleotide variant.
Coding change: c.1946G>T on transcript NM_020806.5 (MANE Select); coding-DNA position 1946, G replaced by T.
Protein change: p.Gly649Val; replaces glycine 649 with valine.
Molecular consequence: missense variant.
Genome position (GRCh38, 1-based): chr14:67,165,197, G>T. VCF-style: chr14-67165197-G-T. GRCh37 (hg19) VCF-style: chr14-67631914-G-T.
Other names: c.1847G>T, p.Gly616Val (NM_001024218.2); c.2006G>T, p.Gly669Val (NM_001377514.1); c.1976G>T, p.Gly659Val (NM_001377515.1); c.1967G>T, p.Gly656Val (NM_001377516.1); c.1919G>T, p.Gly640Val (NM_001377517.1); c.1904G>T, p.Gly635Val (NM_001377518.1); c.1886G>T, p.Gly629Val (NM_001377519.1); short protein forms G649V, G616V, G629V, G635V, G640V, G656V, G659V, G669V.
Identifiers: ClinVar variation 466204 (VCV000466204.10), dbSNP rs1555506781, ClinGen allele CA390121824.
Genomic context (GRCh38, chr14:67,165,197, plus strand): 5'-ACAAGTGACTCTTTTTTTCTTCTAGCTTGCCAACAACATTTGCAACTTTGGATATTGATG[G>T]TGTAAGAAAAATAATCTTTGCACTACCTGGTAAGAATAACAAATTGTTTCCTTTCCTTTT-3'
Protein context (NP_065857.1, residues 639-659): PTTFATLDID[Gly649Val]VRKIIFALPG